The following is an entry in ClinVar:

ClinVar aggregate classification (germline): Uncertain significance (1 of 4 stars; one submission).

Allele frequency attached by ClinVar (database versions not stated): gnomAD exomes below 0.00001; ExAC 0.00001; gnomAD 0.00001; TOPMed 0.00001.
gnomAD v4.1: 3 of 1,614,218 alleles (0.00019%); highest among the groups gnomAD compares: East Asian, 0.0067%; no homozygotes.

Submission:

Labcorp Genetics (formerly Invitae), Labcorp
Classification: Uncertain significance. Last evaluated: 2022-05-29. Review status: criteria provided, single submitter. Criteria: Invitae Variant Classification Sherloc (09022015). Collection method: clinical testing. Allele origin: germline.
Comment: This variant has not been reported in the literature in individuals affected with KANK1-related conditions. This variant is present in population databases (rs752155564, gnomAD 0.006%). This sequence change replaces valine, which is neutral and non-polar, with methionine, which is neutral and non-polar, at codon 761 of the KANK1 protein (p.Val761Met). Algorithms developed to predict the effect of missense changes on protein structure and function are either unavailable or do not agree on the potential impact of this missense change (SIFT: "Deleterious"; PolyPhen-2: "Probably Damaging"; Align-GVGD: "Class C0"). In summary, the available evidence is currently insufficient to determine the role of this variant in disease. Therefore, it has been classified as a Variant of Uncertain Significance.

NM_015158.5(KANK1):c.2281G>A (p.Val761Met)

Gene: KANK1 (KN motif and ankyrin repeat domains 1; plus strand). Cytogenetic location: 9p24.3.
Variant type: single nucleotide variant.
Coding change: c.2281G>A on transcript NM_015158.5 (MANE Select); coding-DNA position 2281, G replaced by A.
Protein change: p.Val761Met; replaces valine 761 with methionine.
Molecular consequence: missense variant. On other transcripts: non-coding transcript variant (1).
Genome position (GRCh38, 1-based): chr9:713,047, G>A. VCF-style: chr9-713047-G-A. GRCh37 (hg19) VCF-style: chr9-713047-G-A.
Other names: c.2281G>A, p.Val761Met (NM_001256876.3, NM_001256877.3, NM_001354331.2 and 2 more transcripts); c.1807G>A, p.Val603Met (NM_001354333.2, NM_001354335.2, NM_001354336.2 and 9 more transcripts); short protein forms V603M, V761M.
Identifiers: ClinVar variation 1935363 (VCV001935363.5), dbSNP rs752155564, ClinGen allele CA4960476.